The following is an entry in ClinVar:

ClinVar aggregate classification (germline): Uncertain significance (1 of 4 stars; one submission).

Conditions:
Inborn genetic diseases. Identifiers: MedGen C0950123, MeSH D030342.

Allele frequency attached by ClinVar (database versions not stated): TOPMed 0.00001.
gnomAD v4.1: 4 of 1,613,152 alleles (0.00025%); highest among the groups gnomAD compares: African/African-American, 0.0013%; no homozygotes.

Submission:

Ambry Genetics
Classification: Uncertain significance for Inborn genetic diseases. Last evaluated: 2018-04-19. Review status: criteria provided, single submitter. Criteria: Ambry Variant Classification Scheme 2023. Collection method: clinical testing. Allele origin: germline.
Comment: The p.G813D variant (also known as c.2438G>A), located in coding exon 15 of the TRAPPC9 gene, results from a G to A substitution at nucleotide position 2438. The glycine at codon 813 is replaced by aspartic acid, an amino acid with similar properties. This amino acid position is well conserved in available vertebrate species. In addition, this alteration is predicted to be tolerated by in silico analysis. Since supporting evidence is limited at this time, the clinical significance of this alteration remains unclear.

NM_001160372.4(TRAPPC9):c.2144G>A (p.Gly715Asp)

Gene: TRAPPC9 (trafficking protein particle complex subunit 9; minus strand). Cytogenetic location: 8q24.3.
Variant type: single nucleotide variant.
Coding change: c.2144G>A on transcript NM_001160372.4 (MANE Select); coding-DNA position 2144, G replaced by A.
Protein change: p.Gly715Asp; replaces glycine 715 with aspartic acid.
Molecular consequence: missense variant. On other transcripts: non-coding transcript variant (1).
Genome position (GRCh38, 1-based): chr8:140,275,792, C>T on the plus strand (G>A on the coding strand, the complement: TRAPPC9 is on the minus strand). VCF-style: chr8-140275792-C-T. GRCh37 (hg19) VCF-style: chr8-141285891-C-T.
Other names: c.2117G>A, p.Gly706Asp (NM_001321646.2); c.2165G>A, p.Gly722Asp (NM_001374682.1); c.2144G>A, p.Gly715Asp (NM_001374683.1, NM_031466.8); c.2000G>A, p.Gly667Asp (NM_001374684.1); short protein forms G667D, G706D, G715D, G722D.
Identifiers: ClinVar variation 1791255 (VCV001791255.2), dbSNP rs565655425, ClinGen allele CA4893167.